The following is an entry in ClinVar:

ClinVar aggregate classification (germline): Uncertain significance (1 of 4 stars; one submission).

Submission:

Labcorp Genetics (formerly Invitae), Labcorp
Classification: Uncertain significance. Last evaluated: 2025-07-01. Review status: criteria provided, single submitter. Criteria: Invitae Variant Classification Sherloc (09022015). Collection method: clinical testing. Allele origin: germline.
Comment: This sequence change replaces phenylalanine, which is neutral and non-polar, with leucine, which is neutral and non-polar, at codon 957 of the EFL1 protein (p.Phe957Leu). This variant is not present in population databases (gnomAD no frequency). This variant has not been reported in the literature in individuals affected with EFL1-related conditions. Invitae Evidence Modeling of protein sequence and biophysical properties (such as structural, functional, and spatial information, amino acid conservation, physicochemical variation, residue mobility, and thermodynamic stability) indicates that this missense variant is not expected to disrupt EFL1 protein function with a negative predictive value of 80%. In summary, the available evidence is currently insufficient to determine the role of this variant in disease. Therefore, it has been classified as a Variant of Uncertain Significance.

NM_024580.6(EFL1):c.2871C>A (p.Phe957Leu)

Gene: EFL1 (elongation factor like GTPase 1; minus strand). Cytogenetic location: 15q25.2.
Variant type: single nucleotide variant.
Coding change: c.2871C>A on transcript NM_024580.6 (MANE Select); coding-DNA position 2871, C replaced by A.
Protein change: p.Phe957Leu; replaces phenylalanine 957 with leucine.
Molecular consequence: missense variant. On other transcripts: non-coding transcript variant (1).
Genome position (GRCh38, 1-based): chr15:82,151,583, G>T on the plus strand (C>A on the coding strand, the complement: EFL1 is on the minus strand). VCF-style: chr15-82151583-G-T. GRCh37 (hg19) VCF-style: chr15-82443924-G-T.
Other names: c.2718C>A, p.Phe906Leu (NM_001040610.3); c.2082C>A, p.Phe694Leu (NM_001322844.2); c.2871C>A, p.Phe957Leu (NM_001322845.2); short protein forms F694L, F957L, F906L.
Identifiers: ClinVar variation 4746447 (VCV004746447.1).